The following is an entry in ClinVar:

ClinVar aggregate classification (germline): Uncertain significance. Review status: criteria provided, multiple submitters, no conflicts (2 of 4 stars). 2 submissions from 2 submitters: Uncertain significance (2). Last evaluated 2024-03-07.

Conditions:
Cornelia de Lange syndrome 1 (CDLS1). Also called: TYPUS DEGENERATIVUS AMSTELODAMENSIS; Brachmann de Lange syndrome; NIPBL-Related Cornelia de Lange Syndrome. Identifiers: Orphanet 199, MedGen C4551851, MONDO:0007387, OMIM 122470.

gnomAD v4.1: 1 of 1,614,086 alleles (0.000062%); highest among the groups gnomAD compares: Non-Finnish European, 0.000085%; no homozygotes.

Submissions (2):

Fulgent Genetics
Classification: Uncertain significance for Cornelia de Lange syndrome 1. Last evaluated: 2024-03-07. Review status: criteria provided, single submitter. Criteria: ACMG Guidelines, 2015. Collection method: clinical testing. Allele origin: germline.

Labcorp Genetics (formerly Invitae), Labcorp
Classification: Uncertain significance for Cornelia de Lange syndrome 1. Last evaluated: 2024-02-17. Review status: criteria provided, single submitter. Criteria: Invitae Variant Classification Sherloc (09022015). Collection method: clinical testing. Allele origin: germline.
Comment: This sequence change replaces cysteine, which is neutral and slightly polar, with arginine, which is basic and polar, at codon 56 of the NIPBL protein (p.Cys56Arg). This variant is present in population databases (no rsID available, gnomAD 0.0009%). This variant has not been reported in the literature in individuals affected with NIPBL-related conditions. Advanced modeling of protein sequence and biophysical properties (such as structural, functional, and spatial information, amino acid conservation, physicochemical variation, residue mobility, and thermodynamic stability) performed at Invitae indicates that this missense variant is not expected to disrupt NIPBL protein function with a negative predictive value of 95%. In summary, the available evidence is currently insufficient to determine the role of this variant in disease. Therefore, it has been classified as a Variant of Uncertain Significance.

NM_133433.4(NIPBL):c.166T>C (p.Cys56Arg)

Gene: NIPBL (NIPBL cohesin loading factor; plus strand). Cytogenetic location: 5p13.2.
Variant type: single nucleotide variant.
Coding change: c.166T>C on transcript NM_133433.4 (MANE Select); coding-DNA position 166, T replaced by C.
Protein change: p.Cys56Arg; replaces cysteine 56 with arginine.
Molecular consequence: missense variant.
Genome position (GRCh38, 1-based): chr5:36,955,573, T>C. VCF-style: chr5-36955573-T-C. GRCh37 (hg19) VCF-style: chr5-36955675-T-C.
Other names: c.166T>C, p.Cys56Arg (NM_015384.5); short protein forms C56R.
Identifiers: ClinVar variation 3592220 (VCV003592220.3).
Genomic context (GRCh38, chr5:36,955,573, plus strand): 5'-ACTACAAAGAGCCTTCTCTTTAATGCACGAATAGCAGAAGAGGTGAACTGCCTTTTGGCT[T>C]GTAGGGATGACAATTTGGTTTCACAGCTTGTCCATAGCCTCAACCAGGTATCAACAGATC-3'
Protein context (NP_597677.2, residues 46-66): IAEEVNCLLA[Cys56Arg]RDDNLVSQLV